The following is an entry in ClinVar:

NM_000038.6(APC):c.1636A>C (p.Ser546Arg)

Gene: APC (APC regulator of WNT signaling pathway; plus strand). Cytogenetic location: 5q22.2.
Variant type: single nucleotide variant.
Coding change: c.1636A>C on transcript NM_000038.6 (MANE Select); coding-DNA position 1636, A replaced by C.
Protein change: p.Ser546Arg; replaces serine 546 with arginine.
Molecular consequence: missense variant.
Genome position (GRCh38, 1-based): chr5:112,828,865, A>C. VCF-style: chr5-112828865-A-C. GRCh37 (hg19) VCF-style: chr5-112164562-A-C.
Other names: c.1387A>C, p.Ser463Arg (NM_001407455.1, NM_001407456.1, NM_001407457.1 and 1 more transcripts); c.1333A>C, p.Ser445Arg (NM_001407458.1, NM_001407459.1, NM_001407460.1 and 1 more transcripts); c.1249A>C, p.Ser417Arg (NM_001407467.1, NM_001407469.1); c.787A>C, p.Ser263Arg (NM_001407470.1, NM_001354906.2); c.484A>C, p.Ser162Arg (NM_001407471.1, NM_001407472.1); c.1636A>C, p.Ser546Arg (NM_001127510.3, NM_001354895.2, NM_001407450.1); c.1582A>C, p.Ser528Arg (NM_001127511.3); c.1690A>C, p.Ser564Arg (NM_001354896.2, NM_001407447.1, NM_001407448.1 and 1 more transcripts); and 11 more; short protein forms S162R, S263R, S386R, S417R, S420R, S445R, S455R, S463R.
Identifiers: ClinVar variation 3368823 (VCV003368823.1).

ClinVar aggregate classification (germline): Uncertain significance (1 of 4 stars; one submission).

Submission:

GeneDx
Classification: Uncertain significance. Last evaluated: 2024-02-13. Review status: criteria provided, single submitter. Criteria: GeneDx Variant Classification Process June 2021. Collection method: clinical testing. Allele origin: germline. Affected: yes.
Comment: Not observed at significant frequency in large population cohorts (gnomAD); In silico analysis supports that this missense variant has a deleterious effect on protein structure/function; Has not been previously published as pathogenic or benign to our knowledge; This variant is associated with the following publications: (PMID: 18199528)